The following is an entry in ClinVar:

NM_001355436.2(SPTB):c.6393G>A (p.Pro2131=)

Gene: SPTB (spectrin beta, erythrocytic; minus strand). Cytogenetic location: 14q23.3.
Variant type: single nucleotide variant.
Coding change: c.6393G>A on transcript NM_001355436.2 (MANE Select); coding-DNA position 6393, G replaced by A.
Protein change: p.Pro2131=; no amino-acid change (proline 2131 retained).
Molecular consequence: synonymous variant.
Genome position (GRCh38, 1-based): chr14:64,753,746, C>T on the plus strand (G>A on the coding strand, the complement: SPTB is on the minus strand). VCF-style: chr14-64753746-C-T. GRCh37 (hg19) VCF-style: chr14-65220464-C-T.
Other names: c.6393G>A, p.Pro2131= (NM_001024858.4).
Identifiers: ClinVar variation 3037775 (VCV003037775.3), dbSNP rs200751290, ClinGen allele CA7229577.

ClinVar aggregate classification (germline): Likely benign. Review status: criteria provided, single submitter (1 of 4 stars). 2 submissions from 2 submitters: Likely benign (1). 1 of the submissions does not count toward it. Last evaluated 2024-07-11.

Conditions:
SPTB-related disorder. Also called: SPTB-Related Disorders; SPTB-related condition.

Allele frequency attached by ClinVar (database versions not stated): ExAC 0.00005; gnomAD 0.00005; TOPMed 0.00009; gnomAD exomes 0.00010.
gnomAD v4.1: 154 of 1,613,702 alleles (0.0095%); highest among the groups gnomAD compares: Middle Eastern, 0.049%; no homozygotes.

Submissions (2):

Blueprint Genetics
Classification: Likely benign. Last evaluated: 2024-07-11. Review status: criteria provided, single submitter. Criteria: ACMG Guidelines, 2015. Collection method: clinical testing. Allele origin: germline.

PreventionGenetics, part of Exact Sciences
Classification: Likely benign for SPTB-related condition. Last evaluated: 2019-07-15. Review status: no assertion criteria provided. Collection method: clinical testing. Allele origin: germline. Not counted in ClinVar's aggregate classification.
Comment: This variant is classified as likely benign based on ACMG/AMP sequence variant interpretation guidelines (Richards et al. 2015 PMID: 25741868, with internal and published modifications).